The following is an entry in ClinVar:

ClinVar aggregate classification (germline): Benign. Review status: criteria provided, multiple submitters, no conflicts (2 of 4 stars). 7 submissions from 7 submitters: Benign (6). 1 of the submissions does not count toward it. Last evaluated 2026-02-03.

Conditions:
Congenital disorder of glycosylation with defective fucosylation 1 (CDGF1). Identifiers: MedGen CN258220, MONDO:0020775, OMIM 618005.
FUT8-related disorder. Also called: FUT8-related condition.

Allele frequency attached by ClinVar (database versions not stated): gnomAD 0.69608 and 0.70091; ESP Exome Variant Server 0.69948; ExAC 0.70457; gnomAD exomes 0.70457; TOPMed 0.70689; 1000 Genomes Project 30x 0.75578; 1000 Genomes Project 0.75679.
gnomAD v4.1: 1,120,169 of 1,612,804 alleles (69%); highest among the groups gnomAD compares: East Asian, 90%; 391,057 homozygotes.

Submissions (7):

Labcorp Genetics (formerly Invitae), Labcorp
Classification: Benign. Last evaluated: 2026-02-03. Review status: criteria provided, single submitter. Criteria: Invitae Variant Classification Sherloc (09022015). Collection method: clinical testing. Allele origin: germline.

Mayo Clinic Laboratories, Mayo Clinic
Classification: Benign. Last evaluated: 2022-04-14. Review status: criteria provided, single submitter. Criteria: ACMG Guidelines, 2015. Collection method: clinical testing. Allele origin: germline. Observed: 26 variant alleles.

Genome-Nilou Lab
Classification: Benign for Congenital disorder of glycosylation with defective fucosylation 1. Last evaluated: 2021-08-10. Review status: criteria provided, single submitter. Criteria: ACMG Guidelines, 2015. Collection method: clinical testing. Allele origin: germline. Affected: no.

GeneDx
Classification: Benign. Last evaluated: 2018-06-14. Review status: criteria provided, single submitter. Criteria: GeneDx Variant Classification (06012015). Collection method: clinical testing. Allele origin: germline. Affected: yes.
Comment: This variant is considered likely benign or benign based on one or more of the following criteria: it is a conservative change, it occurs at a poorly conserved position in the protein, it is predicted to be benign by multiple in silico algorithms, and/or has population frequency not consistent with disease.

Laboratory for Molecular Medicine, Mass General Brigham Personalized Medicine
Classification: Benign. Last evaluated: 2016-03-29. Review status: criteria provided, single submitter. Criteria: LMM Criteria. Collection method: clinical testing. Allele origin: germline.
Comment: Variant identified in a genome or exome case(s) and assessed due to predicted null impact of the variant or pathogenic assertions in the literature or databases. Disclaimer: This variant has not undergone full assessment. The following are preliminary notes: Frequency

Breakthrough Genomics
Classification: Benign. Review status: criteria provided, single submitter. Criteria: ACMG Guidelines, 2015. Collection method: not provided. Allele origin: germline. Inheritance: Autosomal recessive inheritance. Affected: yes.

PreventionGenetics, part of Exact Sciences
Classification: Benign for FUT8-related condition. Last evaluated: 2019-05-22. Review status: no assertion criteria provided. Collection method: clinical testing. Allele origin: germline. Not counted in ClinVar's aggregate classification.
Comment: This variant is classified as benign based on ACMG/AMP sequence variant interpretation guidelines (Richards et al. 2015 PMID: 25741868, with internal and published modifications).

NM_001371533.1(FUT8):c.165A>G (p.Gln55=)

Gene: FUT8 (fucosyltransferase 8; plus strand). Cytogenetic location: 14q23.3.
Variant type: single nucleotide variant.
Coding change: c.165A>G on transcript NM_001371533.1 (MANE Select); coding-DNA position 165, A replaced by G.
Protein change: p.Gln55=; no amino-acid change (glutamine 55 retained).
Molecular consequence: synonymous variant. On other transcripts: non-coding transcript variant (1), intron variant (1).
Genome position (GRCh38, 1-based): chr14:65,561,728, A>G. VCF-style: chr14-65561728-A-G. GRCh37 (hg19) VCF-style: chr14-66028446-A-G.
Other names: p.Gln55=; c.165A>G, p.Gln55= (NM_001371534.1, NM_001371536.1, NM_178155.3 and 1 more transcripts); c.-286-54250A>G (NM_004480.4).
Identifiers: ClinVar variation 402887 (VCV000402887.19), dbSNP rs2229677, ClinGen allele CA7233131.